The following is an entry in ClinVar:

ClinVar aggregate classification (germline): Likely benign. Review status: criteria provided, multiple submitters, no conflicts (2 of 4 stars). 2 submissions from 2 submitters: Likely benign (2). Last evaluated 2025-07-14.

Allele frequency attached by ClinVar (database versions not stated): gnomAD exomes below 0.00001; TOPMed below 0.00001.

Submissions (2):

Labcorp Genetics (formerly Invitae), Labcorp
Classification: Likely benign. Last evaluated: 2025-07-14. Review status: criteria provided, single submitter. Criteria: Invitae Variant Classification Sherloc (09022015). Collection method: clinical testing. Allele origin: germline.

CeGaT Center for Human Genetics Tuebingen
Classification: Likely benign. Last evaluated: 2023-11-01. Review status: criteria provided, single submitter. Criteria: CeGaT Center For Human Genetics Tuebingen Variant Classification Criteria Version 2. Collection method: clinical testing. Allele origin: germline. Affected: yes. Observed: 1 variant allele.
Comment: GCLC: PM2:Supporting, BP4, BP7

NM_001498.4(GCLC):c.1608A>T (p.Pro536=)

Genes: GCLC (glutamate-cysteine ligase catalytic subunit; minus strand), GCLC-AS1 (GCLC antisense RNA 1; plus strand). Cytogenetic location: 6p12.1.
Variant type: single nucleotide variant.
Coding change: c.1608A>T on transcript NM_001498.4 (MANE Select); coding-DNA position 1608, A replaced by T.
Protein change: p.Pro536=; no amino-acid change (proline 536 retained).
Molecular consequence: synonymous variant.
Genome position (GRCh38, 1-based): chr6:53,500,139, T>A on the plus strand (A>T on the coding strand, the complement: GCLC is on the minus strand). VCF-style: chr6-53500139-T-A. GRCh37 (hg19) VCF-style: chr6-53364937-T-A.
Other names: c.1494A>T, p.Pro498= (NM_001197115.2).
Identifiers: ClinVar variation 2673063 (VCV002673063.26), dbSNP rs1764479149, ClinGen allele CA450616496.
Genomic context (GRCh38, chr6:53,500,139, plus strand): 5'-CAGAATACTACATCTGGTGTCCACATCCACTTCCATGTTTTCAAGGTAAGAGTTCAGAAT[T>A]GGGATCAGTCCAGGAAACACACCTTCCTACAAGAAGCAGGACACTTTATGAACTCCCTGC-3'
Protein context (NP_001489.1, residues 526-546): GKEGVFPGLI[Pro536=]ILNSYLENME